The following is an entry in ClinVar:

ClinVar aggregate classification (germline): Uncertain significance (1 of 4 stars; one submission).

Submission:

GeneDx
Classification: Uncertain significance. Last evaluated: 2024-07-16. Review status: criteria provided, single submitter. Criteria: GeneDx Variant Classification Process June 2021. Collection method: clinical testing. Allele origin: germline. Affected: yes.
Comment: Not observed at significant frequency in large population cohorts (gnomAD); In silico analysis supports that this missense variant has a deleterious effect on protein structure/function; Has not been previously published as pathogenic or benign to our knowledge

NM_000399.5(EGR2):c.479A>T (p.Asp160Val)

Gene: EGR2 (early growth response 2; minus strand). Cytogenetic location: 10q21.3.
Variant type: single nucleotide variant.
Coding change: c.479A>T on transcript NM_000399.5 (MANE Select); coding-DNA position 479, A replaced by T.
Protein change: p.Asp160Val; replaces aspartic acid 160 with valine.
Molecular consequence: missense variant.
Genome position (GRCh38, 1-based): chr10:62,814,159, T>A on the plus strand (A>T on the coding strand, the complement: EGR2 is on the minus strand). VCF-style: chr10-62814159-T-A. GRCh37 (hg19) VCF-style: chr10-64573919-T-A.
Other names: c.479A>T, p.Asp160Val (NM_001136177.3, NM_001136178.2); c.329A>T, p.Asp110Val (NM_001136179.3, NM_001321037.2); c.518A>T, p.Asp173Val (NM_001410931.1); short protein forms D110V, D160V, D173V.
Identifiers: ClinVar variation 3573841 (VCV003573841.1).
Genomic context (GRCh38, chr10:62,814,159, plus strand): 5'-TCTCCTGCACAGCCAGAATAAGGAGGAGGAGGCGGTGGCGGAGAGTACAGGTGGTCCAGG[T>A]CAGGCTGGGTCTGGGACATGGTGCACACACCCAGGGGTCCTGTGGCCAGTGGGTTGGGGG-3'
Protein context (NP_000390.2, residues 150-170): GVCTMSQTQP[Asp160Val]LDHLYSPPPP